The following is an entry in ClinVar:

NM_001267550.2(TTN):c.53012_53030del (p.Ala17671fs)

Genes: TTN (titin; minus strand), TTN-AS1 (TTN antisense RNA 1; plus strand), LOC126806425 (BRD4-independent group 4 enhancer GRCh37_chr2:179471933-179473132; plus strand). Cytogenetic location: 2q31.2.
Variant type: Deletion.
Coding change: c.53012_53030del on transcript NM_001267550.2 (MANE Select); coding-DNA positions 53012 to 53030, 19 bases deleted (CTGTGGAACTGGATGTTTC).
Protein change: p.Ala17671fs; shifts the reading frame from alanine 17671.
Molecular consequence: frameshift variant.
Genome position (GRCh38, 1-based): chr2:178,607,658-178,607,676, GAAACATCCAGTTCCACAG deleted on the plus strand (CTGTGGAACTGGATGTTTC on the coding strand, the reverse complement: TTN is on the minus strand). VCF-style (leftmost placement, unchanged base first): chr2-178607657-AGAAACATCCAGTTCCACAG-A. GRCh37 (hg19) VCF-style: chr2-179472384-AGAAACATCCAGTTCCACAG-A.
Other names: c.48089_48107del, p.Ala16030fs (NM_001256850.1); c.25817_25835del, p.Ala8606fs (NM_003319.4); c.45308_45326del, p.Ala15103fs (NM_133378.4); c.26192_26210del, p.Ala8731fs (NM_133432.3); c.26393_26411del, p.Ala8798fs (NM_133437.4); short protein forms A15103fs, A17671fs, A8798fs, A8606fs, A16030fs, A8731fs.
Identifiers: ClinVar variation 2089424 (VCV002089424.4), dbSNP rs2470299614, ClinGen allele CA2580064942.

ClinVar aggregate classification (germline): Likely pathogenic (1 of 4 stars; one submission).

Conditions:
Autosomal recessive limb-girdle muscular dystrophy type 2J (LGMDR10). Also called: Limb-girdle muscular dystrophy, type 2J; MUSCULAR DYSTROPHY, LIMB-GIRDLE, AUTOSOMAL RECESSIVE 10. Identifiers: Orphanet 140922, MedGen C1837342, MONDO:0012127, OMIM 608807.
Dilated cardiomyopathy 1G (CMD1G). Identifiers: Orphanet 154, MedGen C1858763, MONDO:0011400, OMIM 604145.

Submission:

Labcorp Genetics (formerly Invitae), Labcorp
Classification: Likely pathogenic for Dilated cardiomyopathy 1G; Autosomal recessive limb-girdle muscular dystrophy type 2J. Last evaluated: 2022-01-26. Review status: criteria provided, single submitter. Criteria: Invitae Variant Classification Sherloc (09022015). Collection method: clinical testing. Allele origin: germline.
Comment: This sequence change creates a premature translational stop signal (p.Ala17671Valfs*8) in the TTN gene. While this is not anticipated to result in nonsense mediated decay, it is expected to create a truncated TTN protein. This variant is not present in population databases (gnomAD no frequency). This variant has not been reported in the literature in individuals affected with TTN-related conditions. This variant is located in the A band of TTN (PMID: 25589632). Truncating variants in this region are significantly overrepresented in patients affected with dilated cardiomyopathy (PMID: 25589632). Truncating variants in this region have also been reported in individuals affected with autosomal recessive centronuclear myopathy (PMID: 23975875). In summary, the currently available evidence indicates that the variant is pathogenic, but additional data are needed to prove that conclusively. Therefore, this variant has been classified as Likely Pathogenic.

Literature cited by the submitters: PubMed 25589632; PubMed 23975875.